The following is an entry in ClinVar:

ClinVar aggregate classification (germline): Uncertain significance (1 of 4 stars; one submission).

Conditions:
Charcot-Marie-Tooth disease type 4. Also called: Charcot-Marie-Tooth disease, type IV; Charcot-Marie-Tooth, Type 4. Identifiers: Orphanet 64749, MedGen C4082197, MONDO:0018995.

Allele frequency attached by ClinVar (database versions not stated): gnomAD exomes below 0.00001; TOPMed 0.00001.
gnomAD v4.1: 1 of 1,613,876 alleles (0.000062%); highest among the groups gnomAD compares: Admixed American, 0.0017%; no homozygotes.

Submission:

Labcorp Genetics (formerly Invitae), Labcorp
Classification: Uncertain significance for Charcot-Marie-Tooth disease type 4. Last evaluated: 2022-08-20. Review status: criteria provided, single submitter. Criteria: Invitae Variant Classification Sherloc (09022015). Collection method: clinical testing. Allele origin: germline.
Comment: This sequence change replaces histidine, which is basic and polar, with tyrosine, which is neutral and polar, at codon 189 of the SBF2 protein (p.His189Tyr). This variant is present in population databases (no rsID available, gnomAD 0.003%). This variant has not been reported in the literature in individuals affected with SBF2-related conditions. ClinVar contains an entry for this variant (Variation ID: 841469). Algorithms developed to predict the effect of missense changes on protein structure and function (SIFT, PolyPhen-2, Align-GVGD) all suggest that this variant is likely to be tolerated. In summary, the available evidence is currently insufficient to determine the role of this variant in disease. Therefore, it has been classified as a Variant of Uncertain Significance.

NM_030962.4(SBF2):c.565C>T (p.His189Tyr)

Gene: SBF2 (SET binding factor 2; minus strand). Cytogenetic location: 11p15.4.
Variant type: single nucleotide variant.
Coding change: c.565C>T on transcript NM_030962.4 (MANE Select); coding-DNA position 565, C replaced by T.
Protein change: p.His189Tyr; replaces histidine 189 with tyrosine.
Molecular consequence: missense variant.
Genome position (GRCh38, 1-based): chr11:10,028,506, G>A on the plus strand (C>T on the coding strand, the complement: SBF2 is on the minus strand). VCF-style: chr11-10028506-G-A. GRCh37 (hg19) VCF-style: chr11-10050053-G-A.
Other names: c.565C>T, p.His189Tyr (NM_001386339.1, NM_001386342.1); short protein forms H189Y.
Identifiers: ClinVar variation 841469 (VCV000841469.10), dbSNP rs1280211892, ClinGen allele CA379645990.
Genomic context (GRCh38, chr11:10,028,506, plus strand): 5'-ACATACCCAATTGCTGGAACAGGAGAGCCACACTAGTGCCCGTGATAGGAAGACTATCAT[G>A]TAAAGGAGTCTGGATCAACTGTCTATCTCCTGCACCCAAAGAAAACAGCTTCTGCAGAAT-3'
Protein context (NP_112224.1, residues 179-199): GDRQLIQTPL[His189Tyr]DSLPITGTSV